The following is an entry in ClinVar:

ClinVar aggregate classification (germline): Pathogenic (1 of 4 stars; one submission).

Conditions:
Hereditary breast ovarian cancer syndrome. Also called: Hereditary breast and/or ovarian cancer syndrome; Hereditary breast and ovarian cancer; BRCA1- and BRCA2-Associated Hereditary Breast and Ovarian Cancer; Hereditary breast and ovarian cancer syndrome; Hereditary breast and ovarian cancer syndrome (HBOC); Breast and ovarian cancer. Identifiers: Orphanet 145, MedGen C0677776, MeSH D061325, MONDO:0003582. Disease mechanism: loss of function.

Submission:

Women's Health and Genetics/Laboratory Corporation of America, LabCorp
Classification: Pathogenic for Hereditary breast ovarian cancer syndrome. Last evaluated: 2025-01-13. Review status: criteria provided, single submitter. Criteria: LabCorp Variant Classification Summary - May 2015. Collection method: clinical testing. Allele origin: germline.
Comment: Variant summary: The variant involves the deletion of exon 13 in the PALB2 gene. A presumed nomenclature of c.(3350+1_3351-1)_(*295_?)del has been designated for the purposes of this classification. The exact breakpoint at the distal 3' end of this variant is unknown, therefore this deletion may extend downstream of the annotated region of the gene. As it encompasses the termination codon, it is predicted to escape nonsense mediated decay (NMD). The variant was absent in 21694 control chromosomes. c.(3350+1_3351-1)_(*295_?)del has been reported in the literature in individuals affected with Hereditary Breast And/Or Ovarian Cancer (Norquist_2016, Espinel_2022, Lilyquist_2017). These data indicate that the variant may be associated with disease. A nonsense variant in exon 13 yas been classified as pathogenic by our laboratory, supporting the critical relevants of this exon to PALB2 protein function. The following publications have been ascertained in the context of this evaluation (PMID: 26720728, 35626031, 28888541). ClinVar contains an entry for this variant (Variation ID: 241562). Based on the evidence outlined above, the variant was classified as pathogenic.

Literature cited by the submitters: PubMed 26720728; PubMed 28888541; PubMed 35626031.

NC_000016.9:g.(?_23614485)_(23614991_23619184)del

Gene: PALB2 (partner and localizer of BRCA2; minus strand). Cytogenetic location: 16p12.2.
Variant type: Deletion.
Identifiers: ClinVar variation 3769157 (VCV003769157.2).